The following is an entry in ClinVar:

ClinVar aggregate classification (germline): Uncertain significance (1 of 4 stars; one submission).

Conditions:
Camptomelic dysplasia (CMPD). Also called: CMPD1/SRA1; Campomelic Dysplasia. Identifiers: Orphanet 140, MedGen C1861922, MONDO:0007251, OMIM 114290.

gnomAD v4.1: 10 of 1,613,766 alleles (0.00062%); highest among the groups gnomAD compares: Non-Finnish European, 0.00085%; no homozygotes.

Submission:

Labcorp Genetics (formerly Invitae), Labcorp
Classification: Uncertain significance for Camptomelic dysplasia. Last evaluated: 2025-12-24. Review status: criteria provided, single submitter. Criteria: Invitae Variant Classification Sherloc (09022015). Collection method: clinical testing. Allele origin: germline.
Comment: This sequence change replaces proline, which is neutral and non-polar, with leucine, which is neutral and non-polar, at codon 433 of the SOX9 protein (p.Pro433Leu). This variant is not present in population databases (gnomAD no frequency). This missense change has been observed in individual(s) with clinical features of SOX9 related conditions (PMID: 39039281). Invitae Evidence Modeling of protein sequence and biophysical properties (such as structural, functional, and spatial information, amino acid conservation, physicochemical variation, residue mobility, and thermodynamic stability) has been performed for this missense variant. However, the output from this modeling did not meet the statistical confidence thresholds required to predict the impact of this variant on SOX9 protein function. In summary, the available evidence is currently insufficient to determine the role of this variant in disease. Therefore, it has been classified as a Variant of Uncertain Significance.

Literature cited by the submitters: PubMed 39039281.

NM_000346.4(SOX9):c.1298C>T (p.Pro433Leu)

Gene: SOX9 (SRY-box transcription factor 9; plus strand). Cytogenetic location: 17q24.3.
Variant type: single nucleotide variant.
Coding change: c.1298C>T on transcript NM_000346.4 (MANE Select); coding-DNA position 1298, C replaced by T.
Protein change: p.Pro433Leu; replaces proline 433 with leucine.
Molecular consequence: missense variant.
Genome position (GRCh38, 1-based): chr17:72,124,155, C>T. VCF-style: chr17-72124155-C-T. GRCh37 (hg19) VCF-style: chr17-70120296-C-T.
Other names: short protein forms P433L.
Identifiers: ClinVar variation 4804576 (VCV004804576.1).
Genomic context (GRCh38, chr17:72,124,155, plus strand): 5'-ACTCGCCCCAACAGATCGCCTACAGCCCCTTCAACCTCCCACACTACAGCCCCTCCTACC[C>T]GCCCATCACCCGCTCACAGTACGACTACACCGACCACCAGAACTCCAGCTCCTACTACAG-3'
Protein context (NP_000337.1, residues 423-443): FNLPHYSPSY[Pro433Leu]PITRSQYDYT